The following is an entry in ClinVar:

ClinVar aggregate classification (germline): Uncertain significance. Review status: criteria provided, multiple submitters, no conflicts (2 of 4 stars). 2 submissions from 2 submitters: Uncertain significance (2). Last evaluated 2026-06-21.

Conditions:
Hereditary pheochromocytoma and paraganglioma. Also called: Hereditary Paraganglioma-Pheochromocytoma Syndromes; Hereditary paragangliomas and pheochromocytomas; Hereditary pheochromocytoma-paraganglioma. Identifiers: Orphanet 29072, MedGen C4274332, MONDO:0017366.
Hereditary cancer-predisposing syndrome. Also called: Hereditary Cancer Syndrome; Hereditary neoplastic syndrome; Neoplastic Syndromes, Hereditary; Tumor predisposition. Identifiers: Orphanet 140162, MedGen C0027672, MeSH D009386, MONDO:0015356.

Allele frequency attached by ClinVar (database versions not stated): gnomAD 0.00001.

Submissions (2):

Ambry Genetics
Classification: Uncertain significance for Hereditary cancer-predisposing syndrome. Last evaluated: 2026-06-21. Review status: criteria provided, single submitter. Criteria: Ambry Variant Classification Scheme 2023. Collection method: clinical testing. Allele origin: germline.
Comment: The p.R14W variant (also known as c.40C>T), located in coding exon 1 of the TMEM127 gene, results from a C to T substitution at nucleotide position 40. The arginine at codon 14 is replaced by tryptophan, an amino acid with dissimilar properties. This amino acid position is conserved. In addition, the in silico prediction for this alteration is inconclusive. Based on the available evidence, the clinical significance of this variant remains unclear.

Labcorp Genetics (formerly Invitae), Labcorp
Classification: Uncertain significance for Hereditary pheochromocytoma and paraganglioma. Last evaluated: 2025-11-17. Review status: criteria provided, single submitter. Criteria: Invitae Variant Classification Sherloc (09022015). Collection method: clinical testing. Allele origin: germline.
Comment: This sequence change replaces arginine, which is basic and polar, with tryptophan, which is neutral and slightly polar, at codon 14 of the TMEM127 protein (p.Arg14Trp). This variant is not present in population databases (gnomAD no frequency). This variant has not been reported in the literature in individuals affected with TMEM127-related conditions. ClinVar contains an entry for this variant (Variation ID: 2917542). Experimental studies and prediction algorithms are not available or were not evaluated, and the functional significance of this variant is currently unknown. In summary, the available evidence is currently insufficient to determine the role of this variant in disease. Therefore, it has been classified as a Variant of Uncertain Significance.

NM_017849.4(TMEM127):c.40C>T (p.Arg14Trp)

Genes: TMEM127 (transmembrane protein 127; minus strand), LOC129934333 (ATAC-STARR-seq lymphoblastoid silent region 11759; plus strand). Cytogenetic location: 2q11.2.
Variant type: single nucleotide variant.
Coding change: c.40C>T on transcript NM_017849.4 (MANE Select); coding-DNA position 40, C replaced by T.
Protein change: p.Arg14Trp; replaces arginine 14 with tryptophan.
Molecular consequence: missense variant. On other transcripts: intron variant (1).
Genome position (GRCh38, 1-based): chr2:96,265,342, G>A on the plus strand (C>T on the coding strand, the complement: TMEM127 is on the minus strand). VCF-style: chr2-96265342-G-A. GRCh37 (hg19) VCF-style: chr2-96931080-G-A.
Other names: c.40C>T, p.Arg14Trp (NM_001193304.3); c.-9+527C>T (NM_001407283.1); short protein forms R14W.
Identifiers: ClinVar variation 2917542 (VCV002917542.4), dbSNP rs1684395815, ClinGen allele CA347656255.
Genomic context (GRCh38, chr2:96,265,342, plus strand): 5'-CCGAGGCCAGGCTACGCTCCGGCTGCTTGGGCAGAGCGCTGCCTCCCGGGCTCCTCCGCC[G>A]GCGCCCGCCGGGCAGCCCTGCGCCTCCGGGGGCGTACATGCCCGGGGCCGCCCGCCGTCG-3'
Protein context (NP_060319.1, residues 4-24): PGGAGLPGGR[Arg14Trp]RRSPGGSALP